The following is an entry in ClinVar:

NM_001288705.3(CSF1R):c.2768A>G (p.Tyr923Cys)

Gene: CSF1R (colony stimulating factor 1 receptor; minus strand). Cytogenetic location: 5q32.
Variant type: single nucleotide variant.
Coding change: c.2768A>G on transcript NM_001288705.3 (MANE Select); coding-DNA position 2768, A replaced by G.
Protein change: p.Tyr923Cys; replaces tyrosine 923 with cysteine.
Molecular consequence: missense variant. On other transcripts: non-coding transcript variant (2).
Genome position (GRCh38, 1-based): chr5:150,054,220, T>C on the plus strand (A>G on the coding strand, the complement: CSF1R is on the minus strand). VCF-style: chr5-150054220-T-C. GRCh37 (hg19) VCF-style: chr5-149433783-T-C.
Other names: c.2768A>G, p.Tyr923Cys (NM_001349736.2, NM_001375320.1, NM_005211.4); c.2324A>G, p.Tyr775Cys (NM_001375321.1); short protein forms Y775C, Y923C.
Identifiers: ClinVar variation 2583156 (VCV002583156.2), dbSNP rs2480936022, ClinGen allele CA361756342.

ClinVar aggregate classification (germline): Likely pathogenic (1 of 4 stars; one submission).

Conditions:
Leukoencephalopathy, diffuse hereditary, with spheroids 1 (HDLS1). Also called: DEMENTIA, FAMILIAL, NEUMANN TYPE; SUBCORTICAL GLIOSIS OF NEUMANN; CSF1R-related adult-onset leukoencephalopathy with axonal spheroids and pigmented glia. Identifiers: Orphanet 313808, MedGen C5561929, MONDO:0800027, OMIM 221820.

Submission:

Human Genome Lab, NIMHANS, National Institute of Mental Health and Neuro Sciences
Classification: Likely pathogenic for Leukoencephalopathy, diffuse hereditary, with spheroids 1. Last evaluated: 2023-10-05. Review status: criteria provided, single submitter. Criteria: ACMG Guidelines, 2015. Collection method: clinical testing. Allele origin: germline. Inheritance: Autosomal dominant inheritance. Affected: yes. Observed: 1 heterozygote.
Comment: The NP_005202.2:p.Tyr923Cys variant is novel (not in any individuals) in 1000 Genomes, in gnomAD as well as in our inhouse database. There is a large physicochemical difference between tyrosine and cysteine, which is likely to impact secondary protein structure as these residues differ in polarity, charge, size and/or other properties. The p.Tyr923Cys missense variant is predicted to be damaging by both SIFT and PolyPhen2. The gene CSF1R has a low rate of benign missense variation as indicated by a high missense variants Z-Score of 1.57. The gene CSF1R contains 28 pathogenic missense variants, indicating that missense variants are a common mechanism of disease in this gene. In addition, the clinical phenotype of the proband especially the MRI matches completely with that of the disorder caused by pathogenic variants in CSF1R gene. For these reasons, this variant has been classified as Likely Pathogenic (PM2 PP2 PP3 PP4_Moderate).